The following is an entry in ClinVar:

NM_001378.3(DYNC1I2):c.354A>G (p.Thr118=)

Gene: DYNC1I2 (dynein cytoplasmic 1 intermediate chain 2; plus strand). Cytogenetic location: 2q31.1.
Variant type: single nucleotide variant.
Coding change: c.354A>G on transcript NM_001378.3 (MANE Select); coding-DNA position 354, A replaced by G.
Protein change: p.Thr118=; no amino-acid change (threonine 118 retained).
Molecular consequence: synonymous variant. On other transcripts: intron variant (6).
Genome position (GRCh38, 1-based): chr2:171,712,785, A>G. VCF-style: chr2-171712785-A-G. GRCh37 (hg19) VCF-style: chr2-172569295-A-G.
Other names: c.354A>G, p.Thr118= (NM_001271785.2); c.336A>G, p.Thr112= (NM_001320882.2, NM_001320883.2, NM_001378455.1 and 1 more transcripts); c.372-2543A>G (NM_001271786.2, NM_001271787.2); c.318-2543A>G (NM_001271788.2, NM_001271790.2, NM_001271789.2 and 1 more transcripts).
Identifiers: ClinVar variation 3027361 (VCV003027361.22), dbSNP rs1687212554, ClinGen allele CA429770835.

ClinVar aggregate classification (germline): Likely benign (1 of 4 stars; one submission).

Allele frequency attached by ClinVar (database versions not stated): gnomAD exomes below 0.00001; TOPMed below 0.00001.
gnomAD v4.1: 1 of 1,613,560 alleles (0.000062%); highest among the groups gnomAD compares: Non-Finnish European, 0.000085%; no homozygotes.

Submission:

CeGaT Center for Human Genetics Tuebingen
Classification: Likely benign. Last evaluated: 2024-02-01. Review status: criteria provided, single submitter. Criteria: CeGaT Center For Human Genetics Tuebingen Variant Classification Criteria Version 2. Collection method: clinical testing. Allele origin: germline. Affected: yes. Observed: 1 variant allele.
Comment: DYNC1I2: PM2:Supporting, BP4, BP7